The following is an entry in ClinVar:

ClinVar aggregate classification (germline): Uncertain significance (1 of 4 stars; one submission).

Conditions:
Baller-Gerold syndrome (BGS). Also called: CRANIOSYNOSTOSIS WITH RADIAL DEFECTS. Identifiers: Orphanet 1225, MedGen C0265308, MONDO:0009039, OMIM 218600.

Submission:

Labcorp Genetics (formerly Invitae), Labcorp
Classification: Uncertain significance for Baller-Gerold syndrome. Last evaluated: 2023-08-18. Review status: criteria provided, single submitter. Criteria: Invitae Variant Classification Sherloc (09022015). Collection method: clinical testing. Allele origin: germline.
Comment: In summary, the available evidence is currently insufficient to determine the role of this variant in disease. Therefore, it has been classified as a Variant of Uncertain Significance. Experimental studies and prediction algorithms are not available or were not evaluated, and the functional significance of this variant is currently unknown. This variant has not been reported in the literature in individuals affected with RECQL4-related conditions. This variant is not present in population databases (gnomAD no frequency). This sequence change replaces aspartic acid, which is acidic and polar, with glutamic acid, which is acidic and polar, at codon 1042 of the RECQL4 protein (p.Asp1042Glu).

NM_004260.4(RECQL4):c.3126_3127delinsAC (p.Asp1042Glu)

Gene: RECQL4 (RecQ like helicase 4; minus strand). Cytogenetic location: 8q24.3.
Variant type: Indel.
Coding change: c.3126_3127delinsAC on transcript NM_004260.4 (MANE Select); coding-DNA positions 3126 to 3127, CT replaced by AC.
Protein change: p.Asp1042Glu; replaces aspartic acid 1042 with glutamic acid.
Molecular consequence: missense variant. On other transcripts: non-coding transcript variant (3).
Genome position (GRCh38, 1-based): chr8:144,512,253-144,512,254, AG replaced by GT on the plus strand (CT replaced by AC on the coding strand, the reverse complement: RECQL4 is on the minus strand). VCF-style: chr8-144512253-AG-GT. GRCh37 (hg19) VCF-style: chr8-145737636-AG-GT.
Other names: c.2832_2833delinsAC, p.Asp944Glu (NM_001413017.1); c.2928_2929delinsAC, p.Asp976Glu (NM_001413018.1); c.3201_3202delinsAC, p.Asp1067Glu (NM_001413019.1); c.3030_3031delinsAC, p.Asp1010Glu (NM_001413020.1); c.2055_2056delinsAC, p.Asp685Glu (NM_001413021.1, NM_001413022.1, NM_001413024.1 and 4 more transcripts); c.2130_2131delinsAC, p.Asp710Glu (NM_001413023.1); c.2997_2998delinsAC, p.Asp999Glu (NM_001413025.1); c.1989_1990delinsAC, p.Asp663Glu (NM_001413027.1, NM_001413030.1, NM_001413032.1); and 9 more; short protein forms D1010E, D685E, D1032E, D1042E, D1067E, D619E, D925E, D944E.
Identifiers: ClinVar variation 2753672 (VCV002753672.3), dbSNP rs1827383516, ClinGen allele CA2697550237.